The following is an entry in ClinVar:

NM_001184.4(ATR):c.2826C>G (p.His942Gln)

Gene: ATR (ATR checkpoint kinase; minus strand). Cytogenetic location: 3q23.
Variant type: single nucleotide variant.
Coding change: c.2826C>G on transcript NM_001184.4 (MANE Select); coding-DNA position 2826, C replaced by G.
Protein change: p.His942Gln; replaces histidine 942 with glutamine.
Molecular consequence: missense variant.
Genome position (GRCh38, 1-based): chr3:142,550,282, G>C on the plus strand (C>G on the coding strand, the complement: ATR is on the minus strand). VCF-style: chr3-142550282-G-C. GRCh37 (hg19) VCF-style: chr3-142269124-G-C.
Other names: c.2634C>G, p.His878Gln (NM_001354579.2); short protein forms H878Q, H942Q.
Identifiers: ClinVar variation 2587564 (VCV002587564.2), dbSNP rs1455123206, ClinGen allele CA354813429.

ClinVar aggregate classification (germline): Uncertain significance (1 of 4 stars; one submission).

Conditions:
Inborn genetic diseases. Identifiers: MedGen C0950123, MeSH D030342.

Submission:

Ambry Genetics
Classification: Uncertain significance for Inborn genetic diseases. Last evaluated: 2023-07-09. Review status: criteria provided, single submitter. Criteria: Ambry Variant Classification Scheme 2023. Collection method: clinical testing. Allele origin: germline.
Comment: The p.H942Q variant (also known as c.2826C>G), located in coding exon 14 of the ATR gene, results from a C to G substitution at nucleotide position 2826. The histidine at codon 942 is replaced by glutamine, an amino acid with highly similar properties. This amino acid position is conserved. In addition, this alteration is predicted to be tolerated by in silico analysis. Since supporting evidence is limited at this time, the clinical significance of this alteration remains unclear.